The following is an entry in ClinVar:

ClinVar aggregate classification (germline): Uncertain significance (1 of 4 stars; one submission).

Conditions:
Landau-Kleffner syndrome (FESD). Also called: EPILEPSY, FOCAL, WITH SPEECH DISORDER AND WITH OR WITHOUT MENTAL RETARDATION; APHASIA, ACQUIRED, WITH EPILEPSY. Identifiers: Orphanet 1945, Orphanet 725, Orphanet 98818, MedGen C0282512, MONDO:0009509, OMIM 245570.

gnomAD v4.1: 3 of 1,614,082 alleles (0.00019%); highest among the groups gnomAD compares: Middle Eastern, 0.016%; no homozygotes.

Submission:

Labcorp Genetics (formerly Invitae), Labcorp
Classification: Uncertain significance for Landau-Kleffner syndrome. Last evaluated: 2024-11-29. Review status: criteria provided, single submitter. Criteria: Invitae Variant Classification Sherloc (09022015). Collection method: clinical testing. Allele origin: germline.
Comment: This sequence change replaces asparagine, which is neutral and polar, with histidine, which is basic and polar, at codon 1041 of the GRIN2A protein (p.Asn1041His). This variant is present in population databases (rs753376881, gnomAD 0.0009%). This variant has not been reported in the literature in individuals affected with GRIN2A-related conditions. Invitae Evidence Modeling of protein sequence and biophysical properties (such as structural, functional, and spatial information, amino acid conservation, physicochemical variation, residue mobility, and thermodynamic stability) indicates that this missense variant is not expected to disrupt GRIN2A protein function with a negative predictive value of 95%. In summary, the available evidence is currently insufficient to determine the role of this variant in disease. Therefore, it has been classified as a Variant of Uncertain Significance.

NM_001134407.3(GRIN2A):c.3121A>C (p.Asn1041His)

Gene: GRIN2A (glutamate ionotropic receptor NMDA type subunit 2A; minus strand). Cytogenetic location: 16p13.2.
Variant type: single nucleotide variant.
Coding change: c.3121A>C on transcript NM_001134407.3 (MANE Select); coding-DNA position 3121, A replaced by C.
Protein change: p.Asn1041His; replaces asparagine 1041 with histidine.
Molecular consequence: missense variant.
Genome position (GRCh38, 1-based): chr16:9,764,423, T>G on the plus strand (A>C on the coding strand, the complement: GRIN2A is on the minus strand). VCF-style: chr16-9764423-T-G. GRCh37 (hg19) VCF-style: chr16-9858280-T-G.
Other names: c.3121A>C, p.Asn1041His (NM_000833.5, NM_001134408.2); short protein forms N1041H.
Identifiers: ClinVar variation 3615083 (VCV003615083.2).